The following is an entry in ClinVar:

NM_004999.4(MYO6):c.2020A>G (p.Lys674Glu)

Gene: MYO6 (myosin VI; plus strand). Cytogenetic location: 6q14.1.
Variant type: single nucleotide variant.
Coding change: c.2020A>G on transcript NM_004999.4 (MANE Select); coding-DNA position 2020, A replaced by G.
Protein change: p.Lys674Glu; replaces lysine 674 with glutamic acid.
Molecular consequence: missense variant. On other transcripts: non-coding transcript variant (1).
Genome position (GRCh38, 1-based): chr6:75,873,243, A>G. VCF-style: chr6-75873243-A-G. GRCh37 (hg19) VCF-style: chr6-76582960-A-G.
Other names: c.2020A>G, p.Lys674Glu (NM_001300899.2, NM_001368136.1, NM_001368137.1 and 2 more transcripts); c.2005A>G, p.Lys669Glu (NM_001368138.1); short protein forms K669E, K674E.
Identifiers: ClinVar variation 1209224 (VCV001209224.12), dbSNP rs374247860, ClinGen allele CA3897277.

ClinVar aggregate classification (germline): Uncertain significance. Review status: criteria provided, multiple submitters, no conflicts (2 of 4 stars). 3 submissions from 3 submitters: Uncertain significance (3). Last evaluated 2026-04-28.

Conditions:
MYO6-related disorder. Also called: MYO6-related condition; MYO6-related disorders.

Allele frequency attached by ClinVar (database versions not stated): ExAC 0.00002; gnomAD exomes 0.00002 and 0.00009; gnomAD 0.00003; TOPMed 0.00003; ESP Exome Variant Server 0.00008.

Submissions (3):

PreventionGenetics, part of Exact Sciences
Classification: Uncertain significance for MYO6-related condition. Last evaluated: 2026-04-28. Review status: criteria provided, single submitter. Criteria: ACMG Guidelines, 2015. Collection method: clinical testing. Allele origin: germline.
Comment: The MYO6 c.2020A>G variant is predicted to result in the amino acid substitution p.Lys674Glu. To our knowledge, this variant has not been reported in the literature. This variant is reported in 0.0046% of alleles in individuals of European (Non-Finnish) descent in gnomAD. At this time, the clinical significance of this variant is uncertain due to the absence of conclusive functional and genetic evidence.

GeneDx
Classification: Uncertain significance. Last evaluated: 2025-03-04. Review status: criteria provided, single submitter. Criteria: GeneDx Variant Classification Process June 2021. Collection method: clinical testing. Allele origin: germline. Affected: yes.
Comment: In silico analysis supports that this missense variant has a deleterious effect on protein structure/function; Has not been previously published as pathogenic or benign to our knowledge

Labcorp Genetics (formerly Invitae), Labcorp
Classification: Uncertain significance. Last evaluated: 2022-04-10. Review status: criteria provided, single submitter. Criteria: Invitae Variant Classification Sherloc (09022015). Collection method: clinical testing. Allele origin: germline.
Comment: In summary, the available evidence is currently insufficient to determine the role of this variant in disease. Therefore, it has been classified as a Variant of Uncertain Significance. This sequence change replaces lysine, which is basic and polar, with glutamic acid, which is acidic and polar, at codon 674 of the MYO6 protein (p.Lys674Glu). This variant is present in population databases (rs374247860, gnomAD 0.005%). Algorithms developed to predict the effect of missense changes on protein structure and function are either unavailable or do not agree on the potential impact of this missense change (SIFT: "Tolerated"; PolyPhen-2: "Not Available"; Align-GVGD: "Class C0"). ClinVar contains an entry for this variant (Variation ID: 1209224). This variant has not been reported in the literature in individuals affected with MYO6-related conditions.